The following is an entry in ClinVar:

ClinVar aggregate classification (germline): Uncertain significance (1 of 4 stars; one submission).

Conditions:
POLD1-related polyposis and colorectal cancer syndrome (CRCS10). Also called: Colorectal cancer 10; COLORECTAL CANCER, SUSCEPTIBILITY TO, ON CHROMOSOME 19q; Colorectal cancer, susceptibility to, 10. Identifiers: Orphanet 220460, MedGen C2675481, MONDO:0012953, OMIM 612591.

Submission:

Labcorp Genetics (formerly Invitae), Labcorp
Classification: Uncertain significance for POLD1-related polyposis and colorectal cancer syndrome. Last evaluated: 2021-08-23. Review status: criteria provided, single submitter. Criteria: Invitae Variant Classification Sherloc (09022015). Collection method: clinical testing. Allele origin: germline.
Comment: In summary, the available evidence is currently insufficient to determine the role of this variant in disease. Therefore, it has been classified as a Variant of Uncertain Significance. Algorithms developed to predict the effect of missense changes on protein structure and function are either unavailable or do not agree on the potential impact of this missense change (SIFT: "Deleterious"; PolyPhen-2: "Probably Damaging"; Align-GVGD: "Class C0"). This variant has not been reported in the literature in individuals affected with POLD1-related conditions. This variant is not present in population databases (ExAC no frequency). This sequence change replaces arginine with serine at codon 177 of the POLD1 protein (p.Arg177Ser). The arginine residue is highly conserved and there is a moderate physicochemical difference between arginine and serine.

NM_002691.4(POLD1):c.529C>A (p.Arg177Ser)

Gene: POLD1 (DNA polymerase delta 1, catalytic subunit; plus strand). Cytogenetic location: 19q13.33.
Variant type: single nucleotide variant.
Coding change: c.529C>A on transcript NM_002691.4 (MANE Select); coding-DNA position 529, C replaced by A.
Protein change: p.Arg177Ser; replaces arginine 177 with serine.
Molecular consequence: missense variant. On other transcripts: non-coding transcript variant (1).
Genome position (GRCh38, 1-based): chr19:50,402,064, C>A. VCF-style: chr19-50402064-C-A. GRCh37 (hg19) VCF-style: chr19-50905321-C-A.
Other names: c.529C>A, p.Arg177Ser (NM_001256849.1, NM_001308632.1); short protein forms R177S.
Identifiers: ClinVar variation 1444390 (VCV001444390.6), dbSNP rs760402496, ClinGen allele CA406973184.